The following is an entry in ClinVar:

NM_000080.4(CHRNE):c.659G>C (p.Gly220Ala)

Genes: C17orf107 (chromosome 17 open reading frame 107; plus strand), CHRNE (cholinergic receptor nicotinic epsilon subunit; minus strand). Cytogenetic location: 17p13.2.
Variant type: single nucleotide variant.
Coding change: c.659G>C on transcript NM_000080.4 (MANE Select); coding-DNA position 659, G replaced by C.
Protein change: p.Gly220Ala; replaces glycine 220 with alanine.
Molecular consequence: missense variant. On other transcripts: 3 prime UTR variant (1).
Genome position (GRCh38, 1-based): chr17:4,901,133, C>G on the plus strand (G>C on the coding strand, the complement: CHRNE is on the minus strand). VCF-style: chr17-4901133-C-G. GRCh37 (hg19) VCF-style: chr17-4804428-C-G.
Other names: c.*600C>G (NM_001145536.2); short protein forms G220A.
Identifiers: ClinVar variation 3658457 (VCV003658457.2).

ClinVar aggregate classification (germline): Uncertain significance (1 of 4 stars; one submission).

Conditions:
Congenital myasthenic syndrome 4A. Also called: Myasthenic syndrome, congenital, 4a, slow-channel; MYASTHENIC SYNDROME, CONGENITAL, 4A, SLOW-CHANNEL, AUTOSOMAL RECESSIVE; CONGENITAL MYASTHENIC SYNDROME TYPE Ia1. Identifiers: Orphanet 590, MedGen C4225413, MONDO:0011600, OMIM 605809.

gnomAD v4.1: 3 of 1,612,508 alleles (0.00019%); highest among the groups gnomAD compares: Non-Finnish European, 0.00025%; no homozygotes.

Submission:

Labcorp Genetics (formerly Invitae), Labcorp
Classification: Uncertain significance for Congenital myasthenic syndrome 4A. Last evaluated: 2024-08-21. Review status: criteria provided, single submitter. Criteria: Invitae Variant Classification Sherloc (09022015). Collection method: clinical testing. Allele origin: germline.
Comment: This sequence change replaces glycine, which is neutral and non-polar, with alanine, which is neutral and non-polar, at codon 220 of the CHRNE protein (p.Gly220Ala). This variant is present in population databases (no rsID available, gnomAD 0.0009%). This variant has not been reported in the literature in individuals affected with CHRNE-related conditions. Invitae Evidence Modeling of protein sequence and biophysical properties (such as structural, functional, and spatial information, amino acid conservation, physicochemical variation, residue mobility, and thermodynamic stability) indicates that this missense variant is not expected to disrupt CHRNE protein function with a negative predictive value of 95%. In summary, the available evidence is currently insufficient to determine the role of this variant in disease. Therefore, it has been classified as a Variant of Uncertain Significance.